The following is an entry in ClinVar:

NM_000038.6(APC):c.3817A>G (p.Arg1273Gly)

Gene: APC (APC regulator of Wnt signaling pathway; plus strand). Cytogenetic location: 5q22.2.
Variant type: single nucleotide variant.
Coding change: c.3817A>G on transcript NM_000038.6 (MANE Select); coding-DNA position 3817, A replaced by G.
Protein change: p.Arg1273Gly; replaces arginine 1273 with glycine.
Molecular consequence: missense variant. On other transcripts: non-coding transcript variant (2).
Genome position (GRCh38, 1-based): chr5:112,839,411, A>G. VCF-style: chr5-112839411-A-G. GRCh37 (hg19) VCF-style: chr5-112175108-A-G.
Other names: c.3568A>G, p.Arg1190Gly (NM_001407456.1, NM_001407457.1, NM_001407454.1 and 1 more transcripts); c.3514A>G, p.Arg1172Gly (NM_001407458.1, NM_001407459.1, NM_001407460.1 and 1 more transcripts); c.3817A>G, p.Arg1273Gly (NM_001127510.3, NM_001354895.2, NM_001407450.1); c.3763A>G, p.Arg1255Gly (NM_001127511.3); c.3871A>G, p.Arg1291Gly (NM_001354896.2, NM_001407447.1, NM_001407448.1 and 1 more transcripts); c.3847A>G, p.Arg1283Gly (NM_001354897.2); c.3742A>G, p.Arg1248Gly (NM_001354898.2); c.3733A>G, p.Arg1245Gly (NM_001354899.2); and 11 more; short protein forms R1263G, R1273G, R1147G, R1232G, R1266G, R1283G, R1113G, R1172G.
Identifiers: ClinVar variation 2586996 (VCV002586996.2), dbSNP rs2149899615, ClinGen allele CA16029704.

ClinVar aggregate classification (germline): Uncertain significance (1 of 4 stars; one submission).

Conditions:
Hereditary cancer-predisposing syndrome. Also called: Hereditary neoplastic syndrome; Tumor predisposition; Hereditary Cancer Syndrome; Neoplastic Syndromes, Hereditary. Identifiers: Orphanet 140162, MedGen C0027672, MeSH D009386, MONDO:0015356.

Submission:

Ambry Genetics
Classification: Uncertain significance for Hereditary cancer-predisposing syndrome. Last evaluated: 2023-07-01. Review status: criteria provided, single submitter. Criteria: Ambry Variant Classification Scheme 2023. Collection method: clinical testing. Allele origin: germline.
Comment: The p.R1273G variant (also known as c.3817A>G), located in coding exon 15 of the APC gene, results from an A to G substitution at nucleotide position 3817. The arginine at codon 1273 is replaced by glycine, an amino acid with dissimilar properties. This amino acid position is conserved. In addition, in silico predictors for this gene do not accurately predict pathogenicity. Since supporting evidence is limited at this time, the clinical significance of this alteration remains unclear.